The following is an entry in ClinVar:

NM_000535.7(PMS2):c.857A>T (p.Asp286Val)

Gene: PMS2 (PMS1 homolog 2, mismatch repair system component; minus strand). Cytogenetic location: 7p22.1.
Variant type: single nucleotide variant.
Coding change: c.857A>T on transcript NM_000535.7 (MANE Select); coding-DNA position 857, A replaced by T.
Protein change: p.Asp286Val; replaces aspartic acid 286 with valine.
Molecular consequence: missense variant. On other transcripts: non-coding transcript variant (1), 5 prime UTR variant (2).
Genome position (GRCh38, 1-based): chr7:5,995,580, T>A on the plus strand (A>T on the coding strand, the complement: PMS2 is on the minus strand). VCF-style: chr7-5995580-T-A. GRCh37 (hg19) VCF-style: chr7-6035211-T-A.
Other names: c.452A>T, p.Asp151Val (NM_001018040.1, NM_001322003.2, NM_001322004.2 and 20 more transcripts); c.857A>T, p.Asp286Val (NM_001322006.2, NM_001322014.2, NM_001406870.1 and 2 more transcripts); c.539A>T, p.Asp180Val (NM_001322007.2, NM_001322008.2, NM_001406876.1 and 4 more transcripts); c.-77A>T (NM_001322011.2, NM_001322012.2); c.284A>T, p.Asp95Val (NM_001322013.2, NM_001406909.1); c.548A>T, p.Asp183Val (NM_001322015.2, NM_001406875.1, NM_001406877.1 and 6 more transcripts); c.1043A>T, p.Asp348Val (NM_001406866.1); c.881A>T, p.Asp294Val (NM_001406868.1); and 4 more; short protein forms D115V, D151V, D174V, D180V, D183V, D230V, D250V, D286V.
Identifiers: ClinVar variation 1717667 (VCV001717667.5), dbSNP rs116788608, ClinGen allele CA366743481.

ClinVar aggregate classification (germline): Uncertain significance (1 of 4 stars; one submission).

Conditions:
Hereditary nonpolyposis colorectal neoplasms. Identifiers: MedGen C0009405, MeSH D003123.

Submission:

Labcorp Genetics (formerly Invitae), Labcorp
Classification: Uncertain significance for Hereditary nonpolyposis colorectal neoplasms. Last evaluated: 2022-08-23. Review status: criteria provided, single submitter. Criteria: Invitae Variant Classification Sherloc (09022015). Collection method: clinical testing. Allele origin: germline.
Comment: Advanced modeling of protein sequence and biophysical properties (such as structural, functional, and spatial information, amino acid conservation, physicochemical variation, residue mobility, and thermodynamic stability) performed at Invitae indicates that this missense variant is not expected to disrupt PMS2 protein function. This variant has not been reported in the literature in individuals affected with PMS2-related conditions. This variant is not present in population databases (gnomAD no frequency). This sequence change replaces aspartic acid, which is acidic and polar, with valine, which is neutral and non-polar, at codon 286 of the PMS2 protein (p.Asp286Val). In summary, the available evidence is currently insufficient to determine the role of this variant in disease. Therefore, it has been classified as a Variant of Uncertain Significance.